The following is an entry in ClinVar:

NM_005585.5(SMAD6):c.1008C>G (p.Tyr336Ter)

Gene: SMAD6 (SMAD family member 6; plus strand). Cytogenetic location: 15q22.31.
Variant type: single nucleotide variant.
Coding change: c.1008C>G on transcript NM_005585.5 (MANE Select); coding-DNA position 1008, C replaced by G.
Protein change: p.Tyr336Ter; replaces tyrosine 336 with a stop codon.
Molecular consequence: nonsense. On other transcripts: non-coding transcript variant (1).
Genome position (GRCh38, 1-based): chr15:66,781,052, C>G. VCF-style: chr15-66781052-C-G. GRCh37 (hg19) VCF-style: chr15-67073390-C-G.
Other names: short protein forms Y336*.
Identifiers: ClinVar variation 4537850 (VCV004537850.1).

ClinVar aggregate classification (germline): Likely pathogenic (1 of 4 stars; one submission).

gnomAD v4.1: 1 of 1,602,602 alleles (0.000062%); highest among the groups gnomAD compares: Non-Finnish European, 0.000085%; no homozygotes.

Submission:

GeneDx
Classification: Likely pathogenic. Last evaluated: 2025-06-10. Review status: criteria provided, single submitter. Criteria: GeneDx Variant Classification Process June 2021. Collection method: clinical testing. Allele origin: germline. Affected: yes.
Comment: Nonsense variant predicted to result in protein truncation, as the last 161 amino acids are lost, and other loss-of-function variants have been reported downstream in HGMD; Not observed at significant frequency in large population cohorts (gnomAD); Has not been previously published as pathogenic or benign to our knowledge